The following is an entry in ClinVar:

NM_016138.5(COQ7):c.367+7G>A

Gene: COQ7 (coenzyme Q7, hydroxylase; plus strand). Cytogenetic location: 16p12.3.
Variant type: single nucleotide variant.
Coding change: c.367+7G>A on transcript NM_016138.5 (MANE Select); 7 bases into the intron after coding-DNA position 367, G replaced by A.
Molecular consequence: intron variant. On other transcripts: non-coding transcript variant (2).
Genome position (GRCh38, 1-based): chr16:19,074,042, G>A. VCF-style: chr16-19074042-G-A. GRCh37 (hg19) VCF-style: chr16-19085364-G-A.
Other names: c.367+7G>A (NM_001370490.1); c.253+7G>A (NM_001370494.1, NM_001190983.2, NM_001370495.1 and 2 more transcripts); c.325+7G>A (NM_001370489.1, NM_001370491.1).
Identifiers: ClinVar variation 1932314 (VCV001932314.5), dbSNP rs372964750, ClinGen allele CA278724779.
Genomic context (GRCh38, chr16:19,074,042, plus strand): 5'-GGGTCCGGCCAACAGTTCTGATGCCCTTGTGGAACGTGCTGGGGTTTGCACTGGGTACGT[G>A]TCTCTCTAGAAGAGCTTATGCAAGCTTGGGGATCTAGGATGATTAAATCCTTCAGGTATC-3'

ClinVar aggregate classification (germline): Uncertain significance (1 of 4 stars; one submission).

Allele frequency attached by ClinVar (database versions not stated): gnomAD 0.00001; ESP Exome Variant Server 0.00008.
gnomAD v4.1: 2 of 1,604,874 alleles (0.00012%); highest among the groups gnomAD compares: Non-Finnish European, 0.00017%; no homozygotes.

Submission:

Labcorp Genetics (formerly Invitae), Labcorp
Classification: Uncertain significance. Last evaluated: 2022-06-03. Review status: criteria provided, single submitter. Criteria: Invitae Variant Classification Sherloc (09022015). Collection method: clinical testing. Allele origin: germline.
Comment: This sequence change falls in intron 3 of the COQ7 gene. It does not directly change the encoded amino acid sequence of the COQ7 protein. This variant is present in population databases (rs372964750, gnomAD no frequency). This variant has not been reported in the literature in individuals affected with COQ7-related conditions. Algorithms developed to predict the effect of sequence changes on RNA splicing suggest that this variant may disrupt the consensus splice site. In summary, the available evidence is currently insufficient to determine the role of this variant in disease. Therefore, it has been classified as a Variant of Uncertain Significance.